The following is an entry in ClinVar:

ClinVar aggregate classification (germline): Uncertain significance (1 of 4 stars; one submission).

Allele frequency attached by ClinVar (database versions not stated): gnomAD 0.00001; ExAC 0.00002; TOPMed 0.00002.
gnomAD v4.1: 31 of 1,614,022 alleles (0.0019%); highest among the groups gnomAD compares: Admixed American, 0.01%; no homozygotes.

Submission:

Labcorp Genetics (formerly Invitae), Labcorp
Classification: Uncertain significance. Last evaluated: 2025-12-25. Review status: criteria provided, single submitter. Criteria: Invitae Variant Classification Sherloc (09022015). Collection method: clinical testing. Allele origin: germline.
Comment: This sequence change replaces proline, which is neutral and non-polar, with serine, which is neutral and polar, at codon 686 of the ALPK1 protein (p.Pro686Ser). This variant is present in population databases (rs765871920, gnomAD 0.009%). This variant has not been reported in the literature in individuals affected with ALPK1-related conditions. ClinVar contains an entry for this variant (Variation ID: 2172114). Invitae Evidence Modeling of protein sequence and biophysical properties (such as structural, functional, and spatial information, amino acid conservation, physicochemical variation, residue mobility, and thermodynamic stability) indicates that this missense variant is not expected to disrupt ALPK1 protein function with a negative predictive value of 80%. In summary, the available evidence is currently insufficient to determine the role of this variant in disease. Therefore, it has been classified as a Variant of Uncertain Significance.

NM_025144.4(ALPK1):c.2056C>T (p.Pro686Ser)

Gene: ALPK1 (alpha kinase 1; plus strand). Cytogenetic location: 4q25.
Variant type: single nucleotide variant.
Coding change: c.2056C>T on transcript NM_025144.4 (MANE Select); coding-DNA position 2056, C replaced by T.
Protein change: p.Pro686Ser; replaces proline 686 with serine.
Molecular consequence: missense variant.
Genome position (GRCh38, 1-based): chr4:112,431,603, C>T. VCF-style: chr4-112431603-C-T. GRCh37 (hg19) VCF-style: chr4-113352759-C-T.
Other names: c.2056C>T, p.Pro686Ser (NM_001102406.2); c.1822C>T, p.Pro608Ser (NM_001253884.2); short protein forms P608S, P686S.
Identifiers: ClinVar variation 2172114 (VCV002172114.4), dbSNP rs765871920, ClinGen allele CA3046852.